The following is an entry in ClinVar:

ClinVar aggregate classification (germline): Uncertain significance. Review status: criteria provided, multiple submitters, no conflicts (2 of 4 stars). 2 submissions from 2 submitters: Uncertain significance (2). Last evaluated 2025-12-16.

Conditions:
Fanconi anemia (FA). Also called: Fanconi's anemia. Identifiers: Orphanet 84, MedGen C0015625, MeSH D005199, MONDO:0019391.
Fanconi anemia complementation group P. Also called: SLX4-Related Fanconi Anemia. Identifiers: Orphanet 84, MedGen C3469542, MONDO:0013499, OMIM 613951.

gnomAD v4.1: 26 of 1,565,064 alleles (0.0017%); highest among the groups gnomAD compares: Non-Finnish European, 0.0022%; no homozygotes.

Submissions (2):

Labcorp Genetics (formerly Invitae), Labcorp
Classification: Uncertain significance for Fanconi anemia. Last evaluated: 2025-12-16. Review status: criteria provided, single submitter. Criteria: Invitae Variant Classification Sherloc (09022015). Collection method: clinical testing. Allele origin: germline.
Comment: This sequence change replaces proline, which is neutral and non-polar, with arginine, which is basic and polar, at codon 602 of the SLX4 protein (p.Pro602Arg). This variant is present in population databases (no rsID available, gnomAD 0.007%). This variant has not been reported in the literature in individuals affected with SLX4-related conditions. ClinVar contains an entry for this variant (Variation ID: 3580524). An algorithm developed to predict the effect of missense changes on protein structure and function (PolyPhen-2) suggests that this variant is likely to be disruptive. In summary, the available evidence is currently insufficient to determine the role of this variant in disease. Therefore, it has been classified as a Variant of Uncertain Significance.

Fulgent Genetics
Classification: Uncertain significance for Fanconi anemia complementation group P. Last evaluated: 2024-01-01. Review status: criteria provided, single submitter. Criteria: ACMG Guidelines, 2015. Collection method: clinical testing. Allele origin: germline.

NM_032444.4(SLX4):c.1805C>G (p.Pro602Arg)

Gene: SLX4 (SLX4 structure-specific endonuclease subunit; minus strand). Cytogenetic location: 16p13.3.
Variant type: single nucleotide variant.
Coding change: c.1805C>G on transcript NM_032444.4 (MANE Select); coding-DNA position 1805, C replaced by G.
Protein change: p.Pro602Arg; replaces proline 602 with arginine.
Molecular consequence: missense variant.
Genome position (GRCh38, 1-based): chr16:3,596,272, G>C on the plus strand (C>G on the coding strand, the complement: SLX4 is on the minus strand). VCF-style: chr16-3596272-G-C. GRCh37 (hg19) VCF-style: chr16-3646273-G-C.
Other names: short protein forms P602R.
Identifiers: ClinVar variation 3580524 (VCV003580524.2).